The following is an entry in ClinVar:

NM_021930.6(RINT1):c.1937G>T (p.Ser646Ile)

Genes: EFCAB10 (EF-hand calcium binding domain 10; minus strand), RINT1 (RAD50 interactor 1; plus strand). Cytogenetic location: 7q22.3.
Variant type: single nucleotide variant.
Coding change: c.1937G>T on transcript NM_021930.6 (MANE Select); coding-DNA position 1937, G replaced by T.
Protein change: p.Ser646Ile; replaces serine 646 with isoleucine.
Molecular consequence: missense variant. On other transcripts: 3 prime UTR variant (3), non-coding transcript variant (1).
Genome position (GRCh38, 1-based): chr7:105,565,327, G>T. VCF-style: chr7-105565327-G-T. GRCh37 (hg19) VCF-style: chr7-105205774-G-T.
Other names: c.*120C>A (NM_001355526.2); c.*222C>A (NM_001355530.2); c.*75C>A (NM_001355531.2); c.1703G>T, p.Ser568Ile (NM_001346599.2); c.914G>T, p.Ser305Ile (NM_001346600.2, NM_001346603.2); c.1013G>T, p.Ser338Ile (NM_001346601.2); short protein forms S338I, S568I, S305I, S646I.
Identifiers: ClinVar variation 1782986 (VCV001782986.3), dbSNP rs1396876913, ClinGen allele CA368814739.

ClinVar aggregate classification (germline): Uncertain significance (1 of 4 stars; one submission).

gnomAD v4.1: 2 of 1,614,204 alleles (0.00012%); highest among the groups gnomAD compares: Non-Finnish European, 0.00017%; no homozygotes.

Submission:

Ambry Genetics
Classification: Uncertain significance. Last evaluated: 2024-04-12. Review status: criteria provided, single submitter. Criteria: Ambry Variant Classification Scheme 2023. Collection method: clinical testing. Allele origin: germline.
Comment: The p.S646I variant (also known as c.1937G>T), located in coding exon 13 of the RINT1 gene, results from a G to T substitution at nucleotide position 1937. The serine at codon 646 is replaced by isoleucine, an amino acid with dissimilar properties. This amino acid position is highly conserved in available vertebrate species. In addition, this alteration is predicted to be tolerated by in silico analysis. Since supporting evidence is limited at this time, the clinical significance of this alteration remains unclear.